The following is an entry in ClinVar:

NM_000069.3(CACNA1S):c.517C>T (p.Leu173Phe)

Gene: CACNA1S (calcium voltage-gated channel subunit alpha1 S; minus strand). Cytogenetic location: 1q32.1.
Variant type: single nucleotide variant.
Coding change: c.517C>T on transcript NM_000069.3 (MANE Select); coding-DNA position 517, C replaced by T.
Protein change: p.Leu173Phe; replaces leucine 173 with phenylalanine.
Molecular consequence: missense variant.
Genome position (GRCh38, 1-based): chr1:201,091,996, G>A on the plus strand (C>T on the coding strand, the complement: CACNA1S is on the minus strand). VCF-style: chr1-201091996-G-A. GRCh37 (hg19) VCF-style: chr1-201061124-G-A.
Other names: c.517C>T (NM_000069.2); short protein forms L173F.
Identifiers: ClinVar variation 2926612 (VCV002926612.7), dbSNP rs1325776957, ClinGen allele CA344141574.

ClinVar aggregate classification (germline): Uncertain significance. Review status: criteria provided, multiple submitters, no conflicts (2 of 4 stars). 5 submissions from 5 submitters: Uncertain significance (5). Last evaluated 2025-10-05.

Conditions:
Malignant hyperthermia, susceptibility to, 5 (MHS5). Also called: CACNA1S-Related Malignant Hyperthermia Susceptibility. Identifiers: Orphanet 423, MedGen C1866077, MONDO:0011163, OMIM 601887.
Hypokalemic periodic paralysis, type 1. Also called: Hypokalemic Periodic Paralysis Type 1 (AD); HypoPP. Identifiers: Orphanet 681, MedGen C3714580, MONDO:0042979, OMIM 170400.
Inborn genetic diseases. Identifiers: MedGen C0950123, MeSH D030342.

Allele frequency attached by ClinVar (database versions not stated): TOPMed below 0.00001; gnomAD 0.00001; gnomAD exomes 0.00001.
gnomAD v4.1: 5 of 1,614,078 alleles (0.00031%); highest among the groups gnomAD compares: African/African-American, 0.004%; no homozygotes.

Submissions (5):

Color Diagnostics, LLC DBA Color Health
Classification: Uncertain significance for Malignant hyperthermia, susceptibility to, 5. Last evaluated: 2025-10-05. Review status: criteria provided, single submitter. Criteria: ACMG Guidelines, 2015. Collection method: clinical testing. Allele origin: germline.
Comment: This missense variant replaces leucine with phenylalanine at codon 173 of the CACNA1S protein. Computational prediction suggests that this variant may have deleterious impact on protein structure and function. To our knowledge, functional studies have not been reported for this variant. This variant has not been reported in individuals affected with CACNA1S-related disorders in the literature. This variant has been identified in 2/282808 chromosomes in the general population by the Genome Aggregation Database (gnomAD). The available evidence is insufficient to determine the role of this variant in disease conclusively. Therefore, this variant is classified as a Variant of Uncertain Significance.

GeneDx
Classification: Uncertain significance. Last evaluated: 2024-09-10. Review status: criteria provided, single submitter. Criteria: GeneDx Variant Classification Process June 2021. Collection method: clinical testing. Allele origin: germline. Affected: yes.
Comment: Not observed at significant frequency in large population cohorts (gnomAD); In silico analysis supports that this missense variant has a deleterious effect on protein structure/function; Has not been previously published as pathogenic or benign to our knowledge

Ambry Genetics
Classification: Uncertain significance for Inborn genetic diseases. Last evaluated: 2023-11-17. Review status: criteria provided, single submitter. Criteria: Ambry Variant Classification Scheme 2023. Collection method: clinical testing. Allele origin: germline.

All of Us Research Program, National Institutes of Health
Classification: Uncertain significance for Malignant hyperthermia, susceptibility to, 5. Last evaluated: 2023-09-17. Review status: criteria provided, single submitter. Criteria: ACMG Guidelines, 2015. Collection method: clinical testing. Allele origin: germline. Inheritance: Autosomal dominant inheritance. Observed: 1 variant allele, 1 heterozygote.
Comment: This missense variant replaces leucine with phenylalanine at codon 173 of the CACNA1S protein. Computational prediction suggests that this variant may have deleterious impact on protein structure and function (internally defined REVEL score threshold >= 0.7, PMID: 27666373). To our knowledge, functional studies have not been reported for this variant. This variant has not been reported in individuals affected with CACNA1S-related disorders in the literature. This variant has been identified in 2/282808 chromosomes in the general population by the Genome Aggregation Database (gnomAD). The available evidence is insufficient to determine the role of this variant in disease conclusively. Therefore, this variant is classified as a Variant of Uncertain Significance.

This study involves interpretation of variants in research participants for the purpose of population health screening. Participant phenotype was not available at the time of variant classification. Additional details can be found in publication PMID: 35346344, PMCID: PMC8962531

Labcorp Genetics (formerly Invitae), Labcorp
Classification: Uncertain significance for Hypokalemic periodic paralysis, type 1; Malignant hyperthermia, susceptibility to, 5. Last evaluated: 2023-05-24. Review status: criteria provided, single submitter. Criteria: Invitae Variant Classification Sherloc (09022015). Collection method: clinical testing. Allele origin: germline.
Comment: This sequence change replaces leucine, which is neutral and non-polar, with phenylalanine, which is neutral and non-polar, at codon 173 of the CACNA1S protein (p.Leu173Phe). This variant is present in population databases (no rsID available, gnomAD 0.004%). This variant has not been reported in the literature in individuals affected with CACNA1S-related conditions. Advanced modeling of protein sequence and biophysical properties (such as structural, functional, and spatial information, amino acid conservation, physicochemical variation, residue mobility, and thermodynamic stability) performed at Invitae indicates that this missense variant is expected to disrupt CACNA1S protein function. In summary, the available evidence is currently insufficient to determine the role of this variant in disease. Therefore, it has been classified as a Variant of Uncertain Significance.